The following is an entry in ClinVar:

NM_017617.5(NOTCH1):c.1514G>A (p.Cys505Tyr)

Gene: NOTCH1 (notch receptor 1; minus strand). Cytogenetic location: 9q34.3.
Variant type: single nucleotide variant.
Coding change: c.1514G>A on transcript NM_017617.5 (MANE Select); coding-DNA position 1514, G replaced by A.
Protein change: p.Cys505Tyr; replaces cysteine 505 with tyrosine.
Molecular consequence: missense variant.
Genome position (GRCh38, 1-based): chr9:136,517,313, C>T on the plus strand (G>A on the coding strand, the complement: NOTCH1 is on the minus strand). VCF-style: chr9-136517313-C-T. GRCh37 (hg19) VCF-style: chr9-139411765-C-T.
Other names: c.1514G>A, p.Cys505Tyr (LRG_1122t1); short protein forms C505Y.
Identifiers: ClinVar variation 409063 (VCV000409063.8), dbSNP rs1060502240, ClinGen allele CA16612748.
Genomic context (GRCh38, chr9:136,517,313, plus strand): 5'-GGGCGGGGGTGGCCCTCACCCGTGGGGCACTCGCACTGGAACTCATTGATCTTGTCCAGG[C>T]AGCGGCCATTGTGCAGGCAGGGGCTGCTGGCACACTCGTCTGTGTTGACCTCGCAGTGCA-3'
Protein context (NP_060087.3, residues 495-515): ASSPCLHNGR[Cys505Tyr]LDKINEFQCE

ClinVar aggregate classification (germline): Uncertain significance (1 of 4 stars; one submission).

Conditions:
Adams-Oliver syndrome 5 (AOS5). Identifiers: Orphanet 974, MedGen C4014970, MONDO:0014459, OMIM 616028.

Submission:

Labcorp Genetics (formerly Invitae), Labcorp
Classification: Uncertain significance for Adams-Oliver syndrome 5. Last evaluated: 2016-12-24. Review status: criteria provided, single submitter. Criteria: Invitae Variant Classification Sherloc (09022015). Collection method: clinical testing. Allele origin: germline.
Comment: This variant affects a cysteine residue located within an epidermal-growth-factor (EGF)–like domain of the NOTCH1 protein. Cysteine residues in these domains have been shown to be involved in the formation of disulfide bridges, which are critical for protein structure and stability (PMID: 3495735, 4750422). In addition, missense substitutions affecting cysteine residues within NOTCH1 EGF-like domains are overrepresented among individuals affected with Adams-Oliver syndrome and/or congenital heart disease (PMID: 25132448, 25963545, 26820064) relative to the general population (ExAC). In summary, this variant is a novel missense change affecting a residue crucial for protein stability and function. Although cysteine substitutions located in NOTCH1 EGF-like domains are likely deleterious, further genetic and/or functional data is needed to conclusively interpret this variant. Therefore, it has been classified as a Variant of Uncertain Significance. Algorithms developed to predict the effect of missense changes on protein structure and function (SIFT, PolyPhen-2, Align-GVGD) all suggest that this variant is likely to be disruptive, but these predictions have not been confirmed by published functional studies. This variant is not present in population databases (ExAC no frequency) and has not been reported in the literature in individuals with a NOTCH1-related disease. This sequence change replaces cysteine with tyrosine at codon 505 of the NOTCH1 protein (p.Cys505Tyr). The cysteine residue is highly conserved and there is a large physicochemical difference between cysteine and tyrosine.

Literature cited by the submitters: PubMed 3495735; PubMed 4750422; PubMed 25132448; PubMed 25963545; PubMed 26820064.